The following is an entry in ClinVar:

NM_005012.4(ROR1):c.2156C>T (p.Pro719Leu)

Gene: ROR1 (receptor tyrosine kinase like orphan receptor 1; plus strand). Cytogenetic location: 1p31.3.
Variant type: single nucleotide variant.
Coding change: c.2156C>T on transcript NM_005012.4 (MANE Select); coding-DNA position 2156, C replaced by T.
Protein change: p.Pro719Leu; replaces proline 719 with leucine.
Molecular consequence: missense variant.
Genome position (GRCh38, 1-based): chr1:64,178,197, C>T. VCF-style: chr1-64178197-C-T. GRCh37 (hg19) VCF-style: chr1-64643880-C-T.
Other names: short protein forms P719L.
Identifiers: ClinVar variation 3607926 (VCV003607926.2).

ClinVar aggregate classification (germline): Uncertain significance (1 of 4 stars; one submission).

gnomAD v4.1: 2 of 1,614,038 alleles (0.00012%); highest among the groups gnomAD compares: Non-Finnish European, 0.00017%; no homozygotes.

Submission:

Labcorp Genetics (formerly Invitae), Labcorp
Classification: Uncertain significance. Last evaluated: 2024-05-14. Review status: criteria provided, single submitter. Criteria: Invitae Variant Classification Sherloc (09022015). Collection method: clinical testing. Allele origin: germline.
Comment: This sequence change replaces proline, which is neutral and non-polar, with leucine, which is neutral and non-polar, at codon 719 of the ROR1 protein (p.Pro719Leu). This variant is present in population databases (no rsID available, gnomAD 0.0009%). This variant has not been reported in the literature in individuals affected with ROR1-related conditions. Advanced modeling of protein sequence and biophysical properties (such as structural, functional, and spatial information, amino acid conservation, physicochemical variation, residue mobility, and thermodynamic stability) performed at Invitae indicates that this missense variant is not expected to disrupt ROR1 protein function with a negative predictive value of 80%. In summary, the available evidence is currently insufficient to determine the role of this variant in disease. Therefore, it has been classified as a Variant of Uncertain Significance.